The following is an entry in ClinVar:

ClinVar aggregate classification (germline): Uncertain significance (1 of 4 stars; one submission).

Submission:

Mayo Clinic Laboratories, Mayo Clinic
Classification: Uncertain significance. Last evaluated: 2022-03-17. Review status: criteria provided, single submitter. Criteria: ACMG Guidelines, 2015. Collection method: clinical testing. Allele origin: germline. Observed: 1 variant allele.
Comment: BP4, PM2

NM_002972.4(SBF1):c.287C>G (p.Thr96Arg)

Gene: SBF1 (SET binding factor 1; minus strand). Cytogenetic location: 22q13.33.
Variant type: single nucleotide variant.
Coding change: c.287C>G on transcript NM_002972.4 (MANE Select); coding-DNA position 287, C replaced by G.
Protein change: p.Thr96Arg; replaces threonine 96 with arginine.
Molecular consequence: missense variant.
Genome position (GRCh38, 1-based): chr22:50,467,683, G>C on the plus strand (C>G on the coding strand, the complement: SBF1 is on the minus strand). VCF-style: chr22-50467683-G-C. GRCh37 (hg19) VCF-style: chr22-50906112-G-C.
Other names: p.Thr96Arg; c.290C>G, p.Thr97Arg (NM_001365819.1, NM_001410794.1); c.287C>G, p.Thr96Arg (NM_001410795.1, NM_197971.1); short protein forms T96R, T97R.
Identifiers: ClinVar variation 2683581 (VCV002683581.1), dbSNP rs1449459235, ClinGen allele CA412223791.
Genomic context (GRCh38, chr22:50,467,683, plus strand): 5'-AGGTGGGTCTGGCCTCCCTCATCCCCCTCTTCCTCCCTCTCTGTGGCATCCTCCACGCGC[G>C]TCGTTTCCTGCTGGGGGTCAGGGGGAGACGGGGGCAGGGGGAGTTGGCCACGGCCCAAGG-3'
Protein context (NP_002963.2, residues 86-106): WEPAEPSQET[Thr96Arg]RVEDATEREE